The following is an entry in ClinVar:

ClinVar aggregate classification (germline): Uncertain significance. Review status: criteria provided, multiple submitters, no conflicts (2 of 4 stars). 3 submissions from 3 submitters: Uncertain significance (3). Last evaluated 2025-10-14.

Conditions:
Retinoblastoma (RB1). Also called: RETINOBLASTOMA, SOMATIC. Identifiers: Orphanet 790, MedGen C0035335, MeSH D012175, MONDO:0008380, OMIM 180200, HP:0009919. Disease mechanism: loss of function. Inheritance: Both sporadic and heritable forms are tested..
Hereditary cancer-predisposing syndrome. Also called: Tumor predisposition; Hereditary Cancer Syndrome; Hereditary neoplastic syndrome; Neoplastic Syndromes, Hereditary. Identifiers: Orphanet 140162, MedGen C0027672, MeSH D009386, MONDO:0015356.

Allele frequency attached by ClinVar (database versions not stated): gnomAD exomes below 0.00001; TOPMed 0.00001; gnomAD 0.00002 and 0.00003.
gnomAD v4.1: 5 of 1,614,066 alleles (0.00031%); highest among the groups gnomAD compares: African/African-American, 0.0053%; no homozygotes.

Submissions (3):

Labcorp Genetics (formerly Invitae), Labcorp
Classification: Uncertain significance for Retinoblastoma. Last evaluated: 2025-10-14. Review status: criteria provided, single submitter. Criteria: Invitae Variant Classification Sherloc (09022015). Collection method: clinical testing. Allele origin: germline.
Comment: This sequence change replaces proline, which is neutral and non-polar, with glutamine, which is neutral and polar, at codon 641 of the RB1 protein (p.Pro641Gln). This variant is present in population databases (no rsID available, gnomAD 0.01%). This variant has not been reported in the literature in individuals affected with RB1-related conditions. ClinVar contains an entry for this variant (Variation ID: 1444255). Invitae Evidence Modeling of protein sequence and biophysical properties (such as structural, functional, and spatial information, amino acid conservation, physicochemical variation, residue mobility, and thermodynamic stability) indicates that this missense variant is not expected to disrupt RB1 protein function with a negative predictive value of 80%. In summary, the available evidence is currently insufficient to determine the role of this variant in disease. Therefore, it has been classified as a Variant of Uncertain Significance.

Ambry Genetics
Classification: Uncertain significance for Hereditary cancer-predisposing syndrome. Last evaluated: 2024-11-05. Review status: criteria provided, single submitter. Criteria: Ambry Variant Classification Scheme 2023. Collection method: clinical testing. Allele origin: germline.
Comment: The p.P641Q variant (also known as c.1922C>A), located in coding exon 19 of the RB1 gene, results from a C to A substitution at nucleotide position 1922. The proline at codon 641 is replaced by glutamine, an amino acid with similar properties. This amino acid position is conserved. In addition, this alteration is predicted to be tolerated by in silico analysis. Since supporting evidence is limited at this time, the clinical significance of this alteration remains unclear.

Sema4
Classification: Uncertain significance for Hereditary cancer-predisposing syndrome. Last evaluated: 2021-12-18. Review status: criteria provided, single submitter. Criteria: Sema4 Curation Guidelines. Collection method: curation. Allele origin: germline.
Comment: The RB1 c.1922C>A (p.P641Q) variant has not been reported in the literature to our knowledge. It was observed in 1/8716 chromosomes of the African/African American subpopulation in the large and broad cohorts of the Genome Aggregation Database (PMID: 32461654). The variant has not been reported in ClinVar. Functional studies have not been performed, and in silico predictions of the variant's effect on protein function are inconclusive. The evidence is insufficient to meet ACMG/AMP criteria for classifying the variant as benign or pathogenic. Thus, the clinical significance of this variant is currently uncertain.

NM_000321.3(RB1):c.1922C>A (p.Pro641Gln)

Gene: RB1 (RB transcriptional corepressor 1; plus strand). Cytogenetic location: 13q14.2.
Variant type: single nucleotide variant.
Coding change: c.1922C>A on transcript NM_000321.3 (MANE Select); coding-DNA position 1922, C replaced by A.
Protein change: p.Pro641Gln; replaces proline 641 with glutamine.
Molecular consequence: missense variant.
Genome position (GRCh38, 1-based): chr13:48,456,311, C>A. VCF-style: chr13-48456311-C-A. GRCh37 (hg19) VCF-style: chr13-49030447-C-A.
Other names: short protein forms P641Q.
Identifiers: ClinVar variation 1444255 (VCV001444255.10), dbSNP rs1249069450, ClinGen allele CA388166154.